The following is an entry in ClinVar:

NM_014694.4(ADAMTSL2):c.412+9C>T

Gene: ADAMTSL2 (ADAMTS like 2; plus strand). Cytogenetic location: 9q34.2.
Variant type: single nucleotide variant.
Coding change: c.412+9C>T on transcript NM_014694.4 (MANE Select); 9 bases into the intron after coding-DNA position 412, C replaced by T.
Molecular consequence: intron variant.
Genome position (GRCh38, 1-based): chr9:133,539,882, C>T. VCF-style: chr9-133539882-C-T. GRCh37 (hg19) VCF-style: chr9-136405004-C-T.
Other names: c.412+9C>T (NM_001145320.2).
Identifiers: ClinVar variation 4979700 (VCV004979700.1).

ClinVar aggregate classification (germline): Likely benign (1 of 4 stars; one submission).

Conditions:
ADAMTSL2-related disorder. Also called: ADAMTSL2-related condition.

gnomAD v4.1: 50 of 1,550,498 alleles (0.0032%); highest among the groups gnomAD compares: South Asian, 0.021%; no homozygotes.

Submission:

PreventionGenetics, part of Exact Sciences
Classification: Likely benign for ADAMTSL2-related condition. Last evaluated: 2025-03-13. Review status: criteria provided, single submitter. Criteria: ACMG Guidelines, 2015. Collection method: clinical testing. Allele origin: germline.
Comment: This variant is classified as likely benign based on ACMG/AMP sequence variant interpretation guidelines (Richards et al. 2015 PMID: 25741868, with internal and published modifications).